The following is an entry in ClinVar:

NM_000431.4(MVK):c.768+1G>T

Gene: MVK (mevalonate kinase; plus strand). Cytogenetic location: 12q24.11.
Variant type: single nucleotide variant.
Coding change: c.768+1G>T on transcript NM_000431.4 (MANE Select); the canonical splice donor site of the intron after coding-DNA position 768, G replaced by T.
Molecular consequence: splice donor variant.
Genome position (GRCh38, 1-based): chr12:109,590,862, G>T. VCF-style: chr12-109590862-G-T. GRCh37 (hg19) VCF-style: chr12-110028667-G-T.
Other names: c.768+1G>T (NM_001414511.1, NM_001414513.1, NM_001114185.3); c.843+1G>T (NM_001414512.1); c.612+1G>T (NM_001414514.1, NM_001301182.2); c.186+1G>T (NM_001414515.1).
Identifiers: ClinVar variation 3749910 (VCV003749910.2).

ClinVar aggregate classification (germline): Likely pathogenic (1 of 4 stars; one submission).

Conditions:
Mevalonic aciduria (MEVA). Identifiers: Orphanet 29, MedGen C1959626, MONDO:0012481, OMIM 610377.
Hyperimmunoglobulin D with periodic fever (HIDS). Also called: Hyperimmunoglobulinemia D with periodic fever; HYPERIMMUNOGLOBULINEMIA D AND PERIODIC FEVER SYNDROME; Hyperimmunoglobulinemia D. Identifiers: Orphanet 343, MedGen C0398691, MONDO:0009849, OMIM 260920.
Porokeratosis 3, disseminated superficial actinic type (POROK3). Also called: POROKERATOSIS, DISSEMINATED SUPERFICIAL ACTINIC, 1; POROKERATOSIS 3, MULTIPLE TYPES; POROKERATOSIS 3, MIBELLI TYPE. Identifiers: MedGen C1867981, MONDO:0008293, OMIM 175900.

gnomAD v4.1: 3 of 1,614,088 alleles (0.00019%); highest among the groups gnomAD compares: Non-Finnish European, 0.00025%; no homozygotes.

Submission:

Labcorp Genetics (formerly Invitae), Labcorp
Classification: Likely pathogenic for Mevalonic aciduria; Hyperimmunoglobulin D with periodic fever; Porokeratosis 3, disseminated superficial actinic type. Last evaluated: 2024-03-20. Review status: criteria provided, single submitter. Criteria: Invitae Variant Classification Sherloc (09022015). Collection method: clinical testing. Allele origin: germline.
Comment: This sequence change affects a donor splice site in intron 8 of the MVK gene. It is expected to disrupt RNA splicing. Variants that disrupt the donor or acceptor splice site typically lead to a loss of protein function (PMID: 16199547), and loss-of-function variants in MVK are known to be pathogenic (PMID: 16835861, 17105862, 23834120). This variant is not present in population databases (gnomAD no frequency). This variant has not been reported in the literature in individuals affected with MVK-related conditions. Algorithms developed to predict the effect of sequence changes on RNA splicing suggest that this variant may disrupt the consensus splice site. In summary, the currently available evidence indicates that the variant is pathogenic, but additional data are needed to prove that conclusively. Therefore, this variant has been classified as Likely Pathogenic.

Literature cited by the submitters: PubMed 16199547; PubMed 16835861; PubMed 17105862; PubMed 23834120.